The following is an entry in ClinVar:

NM_000540.3(RYR1):c.9347C>T (p.Ser3116Leu)

Gene: RYR1 (ryanodine receptor 1; plus strand). Cytogenetic location: 19q13.2.
Variant type: single nucleotide variant.
Coding change: c.9347C>T on transcript NM_000540.3 (MANE Select); coding-DNA position 9347, C replaced by T.
Protein change: p.Ser3116Leu; replaces serine 3116 with leucine.
Molecular consequence: missense variant.
Genome position (GRCh38, 1-based): chr19:38,512,358, C>T. VCF-style: chr19-38512358-C-T. GRCh37 (hg19) VCF-style: chr19-39002998-C-T.
Other names: c.9347C>T, p.Ser3116Leu (NM_001042723.2); short protein forms S3116L.
Identifiers: ClinVar variation 224394 (VCV000224394.11), dbSNP rs200238436, ClinGen allele CA073502.

ClinVar aggregate classification (germline): Uncertain significance. Review status: criteria provided, multiple submitters, no conflicts (2 of 4 stars). 6 submissions from 6 submitters: Uncertain significance (6). Last evaluated 2023-11-08.

Conditions:
RYR1-related disorder. Also called: RYR1-related disorders; RYR1-related condition. Identifiers: MedGen CN239331.
Malignant hyperthermia, susceptibility to, 1 (MHS1). Also called: Anesthesia related hyperthermia; Malignant hyperpyrexia; Fulminating hyperpyrexia; Pharmacogenic myopathy; RYR1-Related Malignant Hyperthermia Susceptibility; Malignant hyperthermia suceptibility 1. Identifiers: Orphanet 423, MedGen C2930980, MONDO:0007783, OMIM 145600.

Allele frequency attached by ClinVar (database versions not stated): ExAC 0.00002; TOPMed 0.00002; gnomAD 0.00003; gnomAD exomes 0.00003; 1000 Genomes Project 30x 0.00016; 1000 Genomes Project 0.00020.
gnomAD v4.1: 43 of 1,614,124 alleles (0.0027%); highest among the groups gnomAD compares: Admixed American, 0.012%; no homozygotes.

Submissions (6):

Color Diagnostics, LLC DBA Color Health
Classification: Uncertain significance for Malignant hyperthermia, susceptibility to, 1. Last evaluated: 2023-11-08. Review status: criteria provided, single submitter. Criteria: ACMG Guidelines, 2015. Collection method: clinical testing. Allele origin: germline.
Comment: This missense variant replaces serine with leucine at codon 3116 of the RYR1 protein. Computational prediction is inconclusive regarding the impact of this variant on protein structure and function. To our knowledge, functional studies have not been reported for this variant. This variant has been reported in an individual lacking personal and family history of malignant hyperthermia susceptibility (PMID: 24195946). This variant has been identified in 7/251112 chromosomes in the general population by the Genome Aggregation Database (gnomAD). The available evidence is insufficient to determine the role of this variant in disease conclusively. Therefore, this variant is classified as a Variant of Uncertain Significance.

Labcorp Genetics (formerly Invitae), Labcorp
Classification: Uncertain significance for RYR1-related disorder. Last evaluated: 2022-10-26. Review status: criteria provided, single submitter. Criteria: Invitae Variant Classification Sherloc (09022015). Collection method: clinical testing. Allele origin: germline.
Comment: This sequence change replaces serine, which is neutral and polar, with leucine, which is neutral and non-polar, at codon 3116 of the RYR1 protein (p.Ser3116Leu). This variant is present in population databases (rs200238436, gnomAD 0.01%). This variant has not been reported in the literature in individuals affected with RYR1-related conditions. ClinVar contains an entry for this variant (Variation ID: 224394). Advanced modeling of protein sequence and biophysical properties (such as structural, functional, and spatial information, amino acid conservation, physicochemical variation, residue mobility, and thermodynamic stability) has been performed at Invitae for this missense variant, however the output from this modeling did not meet the statistical confidence thresholds required to predict the impact of this variant on RYR1 protein function. In summary, the available evidence is currently insufficient to determine the role of this variant in disease. Therefore, it has been classified as a Variant of Uncertain Significance.

Blueprint Genetics
Classification: Uncertain significance. Last evaluated: 2022-02-08. Review status: criteria provided, single submitter. Criteria: ACMG Guidelines, 2015. Collection method: clinical testing. Allele origin: germline.

Revvity Omics, Revvity
Classification: Uncertain significance. Last evaluated: 2022-02-07. Review status: criteria provided, single submitter. Criteria: ACMG Guidelines, 2015. Collection method: clinical testing. Allele origin: germline.

PreventionGenetics, part of Exact Sciences
Classification: Uncertain significance. Last evaluated: 2018-07-17. Review status: criteria provided, single submitter. Criteria: ACMG Guidelines, 2015. Collection method: clinical testing. Allele origin: germline.

Biesecker Lab/Clinical Genomics Section, National Institutes of Health
Classification: Uncertain significance for Malignant hyperthermia, susceptibility to, 1. Last evaluated: 2013-07-01. Review status: criteria provided, single submitter. Criteria: Gonsalves et al. 2013. Collection method: research. Allele origin: unknown. Observed: 1 variant allele. Study: ClinSeq.
Comment: The study set was not selected for affection status in relation to any myopathy. Pathogenicity categories were based on literature curation. See Pubmed ID: 24195946 for details.

Literature cited by the submitters: PubMed 24195946 (cited by Color Diagnostics, LLC DBA Color Health).